The following is an entry in ClinVar:

NM_007194.4(CHEK2):c.1089_1092del (p.Ile364fs)

Gene: CHEK2 (checkpoint kinase 2; minus strand). Cytogenetic location: 22q12.1.
Variant type: Deletion.
Coding change: c.1089_1092del on transcript NM_007194.4 (MANE Select); coding-DNA positions 1089 to 1092, 4 bases deleted (TATA; older notation c.1089_1092delTATA).
Protein change: p.Ile364fs; shifts the reading frame from isoleucine 364.
Molecular consequence: frameshift variant. On other transcripts: intron variant (3).
Genome position (GRCh38, 1-based): chr22:28,696,904-28,696,907, TATA deleted on the plus strand (TATA on the coding strand, the reverse complement: CHEK2 is on the minus strand). VCF-style (leftmost placement, unchanged base first): chr22-28696903-TTATA-T. GRCh37 (hg19) VCF-style: chr22-29092891-TTATA-T.
Other names: c.1089_1092delTATA (NM_007194.3); c.1218_1221del, p.Ile407fs (NM_001005735.3); c.426_429del, p.Ile143fs (NM_001257387.3, NM_001437942.1); c.888_891del, p.Ile297fs (NM_001349956.3); c.1182_1185del, p.Ile395fs (NM_001438293.1); c.1009-1034_1009-1031del (NM_145862.3); c.1102-1034_1102-1031del (NM_001438295.1); c.1138-1034_1138-1031del (NM_001438294.1); short protein forms I297fs, I407fs, I143fs, I364fs, I395fs.
Identifiers: ClinVar variation 418986 (VCV000418986.5), dbSNP rs1064793566, ClinGen allele CA16621058.

ClinVar aggregate classification (germline): Pathogenic. Review status: criteria provided, multiple submitters, no conflicts (2 of 4 stars). 2 submissions from 2 submitters: Pathogenic (2). Last evaluated 2023-06-27.

Conditions:
Familial cancer of breast. Also called: Hereditary breast cancer; BREAST CANCER, FAMILIAL; hereditary breast carcinoma. Identifiers: Orphanet 227535, MedGen C0346153, MONDO:0016419, OMIM 114480. Disease mechanism: loss of function.

Submissions (2):

Myriad Genetics, Inc.
Classification: Pathogenic for Familial cancer of breast. Last evaluated: 2023-06-27. Review status: criteria provided, single submitter. Criteria: Myriad Autosomal Dominant, Autosomal Recessive and X-Linked Classification Criteria (2023). Collection method: clinical testing. Allele origin: unknown.
Comment: This variant is considered pathogenic. This variant creates a frameshift predicted to result in premature protein truncation.

GeneDx
Classification: Pathogenic. Last evaluated: 2019-04-29. Review status: criteria provided, single submitter. Criteria: GeneDx Variant Classification Process June 2021. Collection method: clinical testing. Allele origin: germline. Affected: yes.
Comment: Frameshift variant predicted to result in protein truncation or nonsense mediated decay in a gene for which loss-of-function is a known mechanism of disease; Not observed in large population cohorts (Lek et al., 2016); Has not been previously published as pathogenic or benign to our knowledge